The following is an entry in ClinVar:

ClinVar aggregate classification (germline): Uncertain significance (1 of 4 stars; one submission).

Allele frequency attached by ClinVar (database versions not stated): gnomAD exomes below 0.00001.
gnomAD v4.1: 2 of 1,597,618 alleles (0.00013%); highest among the groups gnomAD compares: Non-Finnish European, 0.00017%; no homozygotes.

Submission:

GeneDx
Classification: Uncertain significance. Last evaluated: 2025-03-13. Review status: criteria provided, single submitter. Criteria: GeneDx Variant Classification Process June 2021. Collection method: clinical testing. Allele origin: germline.
Comment: Not observed at significant frequency in large population cohorts (gnomAD); In silico analysis supports that this missense variant has a deleterious effect on protein structure/function; Has not been previously published as pathogenic or benign to our knowledge

NM_001393769.1(MED12L):c.1630T>C (p.Cys544Arg)

Gene: MED12L (mediator complex subunit 12L; plus strand). Cytogenetic location: 3q25.1.
Variant type: single nucleotide variant.
Coding change: c.1630T>C on transcript NM_001393769.1 (MANE Select); coding-DNA position 1630, T replaced by C.
Protein change: p.Cys544Arg; replaces cysteine 544 with arginine.
Molecular consequence: missense variant.
Genome position (GRCh38, 1-based): chr3:151,188,357, T>C. VCF-style: chr3-151188357-T-C. GRCh37 (hg19) VCF-style: chr3-150906144-T-C.
Other names: c.1630T>C, p.Cys544Arg (NM_053002.6); short protein forms C544R.
Identifiers: ClinVar variation 2446112 (VCV002446112.2), dbSNP rs2530985372, ClinGen allele CA354960671.
Genomic context (GRCh38, chr3:151,188,357, plus strand): 5'-TGATCTGTTATGACTATACTTCTGTAATTAACTTTGTTATTTATTTTTAATCTGTAGAGA[T>C]GTGGTGAATCAGAAGTCTTAGATGAGAAGGAGTCTATTTCTTCATCCTCTCTTGCTGGAT-3'
Protein context (NP_001380698.1, residues 534-554): KRQAEIEAER[Cys544Arg]GESEVLDEKE